The following is an entry in ClinVar:

ClinVar aggregate classification (germline): Uncertain significance (1 of 4 stars; one submission).

gnomAD v4.1: 12 of 1,613,850 alleles (0.00074%); highest among the groups gnomAD compares: African/African-American, 0.012%; no homozygotes.

Submission:

GeneDx
Classification: Uncertain significance. Last evaluated: 2025-03-04. Review status: criteria provided, single submitter. Criteria: GeneDx Variant Classification Process June 2021. Collection method: clinical testing. Allele origin: germline. Affected: yes.
Comment: Not observed at significant frequency in large population cohorts (gnomAD); In silico analysis indicates that this missense variant does not alter protein structure/function; Has not been previously published as pathogenic or benign to our knowledge

NM_003922.4(HERC1):c.13906G>A (p.Glu4636Lys)

Gene: HERC1 (HECT and RLD domain containing E3 ubiquitin protein ligase family member 1; minus strand). Cytogenetic location: 15q22.31.
Variant type: single nucleotide variant.
Coding change: c.13906G>A on transcript NM_003922.4 (MANE Select); coding-DNA position 13906, G replaced by A.
Protein change: p.Glu4636Lys; replaces glutamic acid 4636 with lysine.
Molecular consequence: missense variant.
Genome position (GRCh38, 1-based): chr15:63,616,465, C>T on the plus strand (G>A on the coding strand, the complement: HERC1 is on the minus strand). VCF-style: chr15-63616465-C-T. GRCh37 (hg19) VCF-style: chr15-63908664-C-T.
Other names: short protein forms E4636K.
Identifiers: ClinVar variation 4083388 (VCV004083388.1).